The following is an entry in ClinVar:

ClinVar aggregate classification (germline): Uncertain significance (1 of 4 stars; one submission).

Submission:

Labcorp Genetics (formerly Invitae), Labcorp
Classification: Uncertain significance. Last evaluated: 2021-10-08. Review status: criteria provided, single submitter. Criteria: Invitae Variant Classification Sherloc (09022015). Collection method: clinical testing. Allele origin: germline.
Comment: In summary, the available evidence is currently insufficient to determine the role of this variant in disease. Therefore, it has been classified as a Variant of Uncertain Significance. Advanced modeling of protein sequence and biophysical properties (such as structural, functional, and spatial information, amino acid conservation, physicochemical variation, residue mobility, and thermodynamic stability) performed at Invitae indicates that this missense variant is not expected to disrupt CACNA1E protein function. This variant has not been reported in the literature in individuals affected with CACNA1E-related conditions. This variant is not present in population databases (ExAC no frequency). This sequence change replaces glutamine with arginine at codon 896 of the CACNA1E protein (p.Gln896Arg). The glutamine residue is moderately conserved and there is a small physicochemical difference between glutamine and arginine.

NM_001205293.3(CACNA1E):c.2687A>G (p.Gln896Arg)

Gene: CACNA1E (calcium voltage-gated channel subunit alpha1 E; plus strand). Cytogenetic location: 1q25.3.
Variant type: single nucleotide variant.
Coding change: c.2687A>G on transcript NM_001205293.3 (MANE Select); coding-DNA position 2687, A replaced by G.
Protein change: p.Gln896Arg; replaces glutamine 896 with arginine.
Molecular consequence: missense variant.
Genome position (GRCh38, 1-based): chr1:181,732,773, A>G. VCF-style: chr1-181732773-A-G. GRCh37 (hg19) VCF-style: chr1-181701909-A-G.
Other names: c.2687A>G, p.Gln896Arg (NM_000721.4); c.2630A>G, p.Gln877Arg (NM_001205294.2); short protein forms Q877R, Q896R.
Identifiers: ClinVar variation 1480043 (VCV001480043.6), dbSNP rs2102551845, ClinGen allele CA343618565.